The following is an entry in ClinVar:

NM_003283.6(TNNT1):c.-11-156C>G

Gene: TNNT1 (troponin T1, slow skeletal type; minus strand). Cytogenetic location: 19q13.42.
Variant type: single nucleotide variant.
Coding change: c.-11-156C>G on transcript NM_003283.6 (MANE Select); 156 bases into the intron before 11 bases upstream of the start codon, C replaced by G.
Molecular consequence: intron variant.
Genome position (GRCh38, 1-based): chr19:55,147,324, G>C on the plus strand (C>G on the coding strand, the complement: TNNT1 is on the minus strand). VCF-style: chr19-55147324-G-C. GRCh37 (hg19) VCF-style: chr19-55658692-G-C.
Other names: NC_000019.9:g.55658692G>C; c.-11-156C>G (NM_001126133.3, NM_001126132.3, NM_001291774.2).
Identifiers: ClinVar variation 670367 (VCV000670367.3), dbSNP rs111759996, ClinGen allele CA310140614.

ClinVar aggregate classification (germline): Benign. Review status: criteria provided, multiple submitters, no conflicts (2 of 4 stars). 2 submissions from 2 submitters: Benign (2). Last evaluated 2018-06-19.

Allele frequency attached by ClinVar (database versions not stated): gnomAD 0.05226 and 0.05295.
gnomAD v4.1: 41,395 of 646,712 alleles (6.4%); highest among the groups gnomAD compares: Non-Finnish European, 7.8%; 2,382 homozygotes.

Submissions (4):

GeneDx
Classification: Benign. Last evaluated: 2018-06-19. Review status: criteria provided, single submitter. Criteria: GeneDx Variant Classification (06012015). Collection method: clinical testing. Allele origin: germline. Affected: yes.
Comment: This variant is considered likely benign or benign based on one or more of the following criteria: it is a conservative change, it occurs at a poorly conserved position in the protein, it is predicted to be benign by multiple in silico algorithms, and/or has population frequency not consistent with disease.

Breakthrough Genomics
Classification: Benign. Review status: criteria provided, single submitter. Criteria: ACMG Guidelines, 2015. Collection method: not provided. Allele origin: germline. Inheritance: Autosomal recessive inheritance. Affected: yes.

Dr. Peter K. Rogan Lab, Western University
No classification provided (evidence only). Condition: Cholangiocarcinoma. Review status: no classification provided. Collection method: in vitro. Allele origin: not applicable. Functional consequence: retained intron. Not counted in ClinVar's aggregate classification.

Dr. Peter K. Rogan Lab, Western University
No classification provided (evidence only). Condition: Uterine carcinosarcoma. Review status: no classification provided. Collection method: in vitro. Allele origin: not applicable. Functional consequence: retained intron. Not counted in ClinVar's aggregate classification.